The following is an entry in ClinVar:

NM_004380.3(CREBBP):c.4650_4654del (p.Glu1551fs)

Gene: CREBBP (CREB binding lysine acetyltransferase; minus strand). Cytogenetic location: 16p13.3.
Variant type: Deletion.
Coding change: c.4650_4654del on transcript NM_004380.3 (MANE Select); coding-DNA positions 4650 to 4654, 5 bases deleted (AGAGA; older notation c.4650_4654delAGAGA).
Protein change: p.Glu1551fs; shifts the reading frame from glutamic acid 1551.
Molecular consequence: frameshift variant.
Genome position (GRCh38, 1-based): chr16:3,736,110-3,736,114, TCTCT deleted on the plus strand (AGAGA on the coding strand, the reverse complement: CREBBP is on the minus strand); deleting any 5 consecutive bases within chr16:3,736,110-3,736,117 gives the same sequence; the c. name uses the placement nearest the transcript's 3' end. VCF-style (leftmost placement, unchanged base first): chr16-3736109-CTCTCT-C. GRCh37 (hg19) VCF-style: chr16-3786110-CTCTCT-C.
Other names: c.4536_4540del, p.Glu1513fs (NM_001079846.1); c.4650_4654del (NM_004380.2); short protein forms E1513fs, E1551fs.
Identifiers: ClinVar variation 1704330 (VCV001704330.4), dbSNP rs2548362003, ClinGen allele CA2580091145.

ClinVar aggregate classification (germline): Pathogenic. Review status: criteria provided, multiple submitters, no conflicts (2 of 4 stars). 2 submissions from 2 submitters: Pathogenic (2). Last evaluated 2023-04-08.

Conditions:
Rubinstein-Taybi syndrome due to CREBBP mutations (RSTS1). Also called: RUBINSTEIN-TAYBI SYNDROME 1, INCOMPLETE; Rubinstein-Taybi syndrome 1; RUBINSTEIN SYNDROME; CREBBP-Related Rubinstein-Taybi Syndrome; BROAD THUMBS AND GREAT TOES, CHARACTERISTIC FACIES, AND IMPAIRED INTELLECTUAL DEVELOPMENT; BROAD THUMB-HALLUX SYNDROME. Identifiers: Orphanet 353277, Orphanet 783, MedGen C4551859, MONDO:0008393, OMIM 180849.

Submissions (2):

GeneDx
Classification: Pathogenic. Last evaluated: 2023-04-08. Review status: criteria provided, single submitter. Criteria: GeneDx Variant Classification Process June 2021. Collection method: clinical testing. Allele origin: germline. Affected: yes.
Comment: Reported in two unrelated patients in the published literature with features consistent with a CREBBP-related disorder (Spena et al., 2014); Frameshift variant predicted to result in protein truncation or nonsense mediated decay in a gene for which loss of function is a known mechanism of disease; Not observed at significant frequency in large population cohorts (gnomAD); This variant is associated with the following publications: (PMID: 26485669, 29637745, 33063428, 25388907)

Kasturba Medical College, Manipal, Kasturba Medical College, Manipal, Manipal Academy of Higher Education, Manipal, India
Classification: Pathogenic for Rubinstein-Taybi syndrome due to CREBBP mutations. Review status: criteria provided, single submitter. Criteria: ACMG Guidelines, 2015. Collection method: clinical testing. Allele origin: de novo. Inheritance: Autosomal dominant inheritance. Affected: yes. Observed: 1 heterozygote.